The following is an entry in ClinVar:

NM_003737.4(DCHS1):c.5185C>T (p.Pro1729Ser)

Gene: DCHS1 (dachsous cadherin-related 1; minus strand). Cytogenetic location: 11p15.4.
Variant type: single nucleotide variant.
Coding change: c.5185C>T on transcript NM_003737.4 (MANE Select); coding-DNA position 5185, C replaced by T.
Protein change: p.Pro1729Ser; replaces proline 1729 with serine.
Molecular consequence: missense variant.
Genome position (GRCh38, 1-based): chr11:6,628,807, G>A on the plus strand (C>T on the coding strand, the complement: DCHS1 is on the minus strand). VCF-style: chr11-6628807-G-A. GRCh37 (hg19) VCF-style: chr11-6650038-G-A.
Other names: short protein forms P1729S.
Identifiers: ClinVar variation 3696421 (VCV003696421.2).

ClinVar aggregate classification (germline): Uncertain significance (1 of 4 stars; one submission).

gnomAD v4.1: 6 of 1,613,750 alleles (0.00037%); highest among the groups gnomAD compares: Non-Finnish European, 0.00051%; no homozygotes.

Submission:

Labcorp Genetics (formerly Invitae), Labcorp
Classification: Uncertain significance. Last evaluated: 2024-11-04. Review status: criteria provided, single submitter. Criteria: Invitae Variant Classification Sherloc (09022015). Collection method: clinical testing. Allele origin: germline.
Comment: This sequence change replaces proline, which is neutral and non-polar, with serine, which is neutral and polar, at codon 1729 of the DCHS1 protein (p.Pro1729Ser). This variant is present in population databases (no rsID available, gnomAD 0.002%). This variant has not been reported in the literature in individuals affected with DCHS1-related conditions. Invitae Evidence Modeling of protein sequence and biophysical properties (such as structural, functional, and spatial information, amino acid conservation, physicochemical variation, residue mobility, and thermodynamic stability) indicates that this missense variant is not expected to disrupt DCHS1 protein function with a negative predictive value of 80%. In summary, the available evidence is currently insufficient to determine the role of this variant in disease. Therefore, it has been classified as a Variant of Uncertain Significance.